The following is an entry in ClinVar:

ClinVar aggregate classification (germline): Uncertain significance (1 of 4 stars; one submission).

Submission:

Ambry Genetics
Classification: Uncertain significance. Last evaluated: 2023-11-11. Review status: criteria provided, single submitter. Criteria: Ambry Variant Classification Scheme 2023. Collection method: clinical testing. Allele origin: germline.
Comment: The p.D1524V variant (also known as c.4571A>T), located in coding exon 40 of the KIF1B gene, results from an A to T substitution at nucleotide position 4571. The aspartic acid at codon 1524 is replaced by valine, an amino acid with highly dissimilar properties. This amino acid position is conserved. In addition, the in silico prediction for this alteration is inconclusive. Since supporting evidence is limited at this time, the clinical significance of this alteration remains unclear.

NM_001365951.3(KIF1B):c.4709A>T (p.Asp1570Val)

Gene: KIF1B (kinesin family member 1B; plus strand). Cytogenetic location: 1p36.22.
Variant type: single nucleotide variant.
Coding change: c.4709A>T on transcript NM_001365951.3 (MANE Select); coding-DNA position 4709, A replaced by T.
Protein change: p.Asp1570Val; replaces aspartic acid 1570 with valine.
Molecular consequence: missense variant.
Genome position (GRCh38, 1-based): chr1:10,365,605, A>T. VCF-style: chr1-10365605-A-T. GRCh37 (hg19) VCF-style: chr1-10425663-A-T.
Other names: c.4709A>T, p.Asp1570Val (NM_001365952.1); c.4571A>T, p.Asp1524Val (NM_015074.3); short protein forms D1524V, D1570V.
Identifiers: ClinVar variation 3226506 (VCV003226506.1), dbSNP rs2521916006, ClinGen allele CA338322426.